The following is an entry in ClinVar:

ClinVar aggregate classification (germline): Uncertain significance. Review status: criteria provided, multiple submitters, no conflicts (2 of 4 stars). 9 submissions from 9 submitters: Uncertain significance (7). 2 of the submissions do not count toward it. Last evaluated 2025-09-15.

Conditions:
Hereditary cancer-predisposing syndrome. Also called: Tumor predisposition; Neoplastic Syndromes, Hereditary; Hereditary neoplastic syndrome; Hereditary Cancer Syndrome. Identifiers: Orphanet 140162, MedGen C0027672, MeSH D009386, MONDO:0015356.
Nijmegen breakage syndrome-like disorder (NBSLD). Also called: MICROCEPHALY AND SPONTANEOUS CHROMOSOME INSTABILITY WITHOUT IMMUNODEFICIENCY; NBS-LIKE DISORDER; RAD50 DEFICIENCY. Identifiers: Orphanet 240760, MedGen C2751318, MONDO:0013118, OMIM 613078.
Familial cancer of breast. Also called: BREAST CANCER, FAMILIAL; hereditary breast carcinoma; Hereditary breast cancer. Identifiers: Orphanet 227535, MedGen C0346153, MONDO:0016419, OMIM 114480. Disease mechanism: loss of function.

Allele frequency attached by ClinVar (database versions not stated): TOPMed below 0.00001; ExAC 0.00001; gnomAD 0.00001; gnomAD exomes 0.00001.
gnomAD v4.1: 21 of 1,612,570 alleles (0.0013%); highest among the groups gnomAD compares: Middle Eastern, 0.066%; no homozygotes.

Submissions (9):

Labcorp Genetics (formerly Invitae), Labcorp
Classification: Uncertain significance for Hereditary cancer-predisposing syndrome. Last evaluated: 2025-09-15. Review status: criteria provided, single submitter. Criteria: Invitae Variant Classification Sherloc (09022015). Collection method: clinical testing. Allele origin: germline.
Comment: This sequence change replaces arginine, which is basic and polar, with cysteine, which is neutral and slightly polar, at codon 196 of the RAD50 protein (p.Arg196Cys). This variant is present in population databases (rs769853458, gnomAD 0.002%). This variant has not been reported in the literature in individuals affected with RAD50-related conditions. ClinVar contains an entry for this variant (Variation ID: 184289). Invitae Evidence Modeling of protein sequence and biophysical properties (such as structural, functional, and spatial information, amino acid conservation, physicochemical variation, residue mobility, and thermodynamic stability) indicates that this missense variant is expected to disrupt RAD50 protein function with a positive predictive value of 80%. In summary, the available evidence is currently insufficient to determine the role of this variant in disease. Therefore, it has been classified as a Variant of Uncertain Significance.

Quest Diagnostics Nichols Institute San Juan Capistrano
Classification: Uncertain significance. Last evaluated: 2024-10-03. Review status: criteria provided, single submitter. Criteria: Quest Diagnostics criteria. Collection method: clinical testing. Allele origin: unknown.
Comment: The RAD50 c.586C>T (p.Arg196Cys) variant has been reported in the published literature in individuals with breast cancer as well as reportedly healthy individuals (PMID: 33471991 (2021), see also LOVD). The frequency of this variant in the general population, 0.000012 (3/250632 chromosomes (Genome Aggregation Database)), is uninformative in the assessment of its pathogenicity. Analysis of this variant using bioinformatics tools for the prediction of the effect of amino acid changes on protein structure and function yielded predictions that this variant is damaging. Based on the available information, we are unable to determine the clinical significance of this variant.

Fulgent Genetics
Classification: Uncertain significance for Nijmegen breakage syndrome-like disorder. Last evaluated: 2024-06-20. Review status: criteria provided, single submitter. Criteria: ACMG Guidelines, 2015. Collection method: clinical testing. Allele origin: germline.

KCCC/NGS Laboratory, Kuwait Cancer Control Center
Classification: Uncertain significance for Familial cancer of breast. Last evaluated: 2024-05-02. Review status: criteria provided, single submitter. Criteria: ACMG Guidelines, 2015. Collection method: clinical testing. Allele origin: germline. Inheritance: Autosomal dominant inheritance. Affected: yes. Observed: 1 heterozygote.
Comment: This sequence change replaces arginine, which is basic and polar, with cysteine, which is neutral and slightly polar, at codon 196 of the RAD50 protein (p.Arg196Cys). This amino acid position is highly conserved(PhyloP=4.36) . This variant is present in population databases (rs769853458, gnomAD 0.002%). This variant has not been reported in the literature in individuals affected with RAD50- related conditions. ClinVar contains an entry for this variant (Variation ID: 184289). In addition, the in silico prediction for this alteration is inconclusive. In summary, the available evidence is currently insufficient to determine the role of this variant in disease. Therefore, it has been classified as a Variant of Uncertain Significance.

Blueprint Genetics
Classification: Uncertain significance. Last evaluated: 2024-01-11. Review status: criteria provided, single submitter. Criteria: ACMG Guidelines, 2015. Collection method: clinical testing. Allele origin: germline.

Ambry Genetics
Classification: Uncertain significance for Hereditary cancer-predisposing syndrome. Last evaluated: 2023-07-27. Review status: criteria provided, single submitter. Criteria: Ambry Variant Classification Scheme 2023. Collection method: clinical testing. Allele origin: germline.
Comment: The p.R196C variant (also known as c.586C>T), located in coding exon 5 of the RAD50 gene, results from a C to T substitution at nucleotide position 586. The arginine at codon 196 is replaced by cysteine, an amino acid with highly dissimilar properties. This amino acid position is highly conserved in available vertebrate species. In addition, the in silico prediction for this alteration is inconclusive. Since supporting evidence is limited at this time, the clinical significance of this alteration remains unclear.

Sema4
Classification: Uncertain significance for Nijmegen breakage syndrome-like disorder. Last evaluated: 2021-10-25. Review status: criteria provided, single submitter. Criteria: Sema4 Curation Guidelines. Collection method: curation. Allele origin: germline.
Comment: The RAD50 c.586C>T (p.R196C) variant has been reported in heterozygosity in at least two individuals with breast cancer as well as unaffected controls (PMID: 33471991). It was observed in 3/250632 chromosomes of the large and broad cohorts of the Genome Aggregation Database (PMID: 32461654). The variant has been reported in ClinVar (Variation ID 184289). Functional studies have not been performed, and in silico predictions of the variant's effect on protein function are inconclusive. The evidence is insufficient to meet ACMG/AMP criteria for classifying the variant as benign or pathogenic. Thus, the clinical significance of this variant is currently uncertain.

Clinical Genetics DNA and cytogenetics Diagnostics Lab, Erasmus MC, Erasmus Medical Center
Classification: Uncertain significance. Review status: no assertion criteria provided. Collection method: clinical testing. Allele origin: germline. Affected: yes. Study: VKGL Data-share Consensus. Not counted in ClinVar's aggregate classification.

Laboratory of Diagnostic Genome Analysis, Leiden University Medical Center (LUMC)
Classification: Uncertain significance. Review status: no assertion criteria provided. Collection method: clinical testing. Allele origin: germline. Affected: yes. Study: VKGL Data-share Consensus. Not counted in ClinVar's aggregate classification.

Literature cited by the submitters: PubMed 33471991 (cited by Quest Diagnostics Nichols Institute San Juan Capistrano and Sema4).

NM_005732.4(RAD50):c.586C>T (p.Arg196Cys)

Gene: RAD50 (RAD50 double strand break repair protein; plus strand). Cytogenetic location: 5q31.1.
Variant type: single nucleotide variant.
Coding change: c.586C>T on transcript NM_005732.4 (MANE Select); coding-DNA position 586, C replaced by T.
Protein change: p.Arg196Cys; replaces arginine 196 with cysteine.
Molecular consequence: missense variant.
Genome position (GRCh38, 1-based): chr5:132,579,896, C>T. VCF-style: chr5-132579896-C-T. GRCh37 (hg19) VCF-style: chr5-131915588-C-T.
Other names: short protein forms R196C.
Identifiers: ClinVar variation 184289 (VCV000184289.24), dbSNP rs769853458, ClinGen allele CA188496.